The following is an entry in ClinVar:

NM_007254.4(PNKP):c.1256T>A (p.Val419Asp)

Gene: PNKP (polynucleotide kinase 3'-phosphatase; minus strand). Cytogenetic location: 19q13.33.
Variant type: single nucleotide variant.
Coding change: c.1256T>A on transcript NM_007254.4 (MANE Select); coding-DNA position 1256, T replaced by A.
Protein change: p.Val419Asp; replaces valine 419 with aspartic acid.
Molecular consequence: missense variant.
Genome position (GRCh38, 1-based): chr19:49,861,814, A>T on the plus strand (T>A on the coding strand, the complement: PNKP is on the minus strand). VCF-style: chr19-49861814-A-T. GRCh37 (hg19) VCF-style: chr19-50365071-A-T.
Other names: p.V419D:GTC>GAC; short protein forms V419D.
Identifiers: ClinVar variation 206408 (VCV000206408.5), dbSNP rs748365843, ClinGen allele CA316493.

ClinVar aggregate classification (germline): Uncertain significance. Review status: criteria provided, single submitter (1 of 4 stars). 2 submissions from 2 submitters: Uncertain significance (1). 1 of the submissions does not count toward it. Last evaluated 2023-08-16.

Conditions:
Microcephaly, seizures, and developmental delay. Identifiers: Orphanet 1934, MedGen C3150667, MONDO:0013254, OMIM 613402.

Allele frequency attached by ClinVar (database versions not stated): gnomAD 0.00001 and 0.00003; TOPMed 0.00002 and 0.00003; gnomAD exomes below 0.00001; ExAC 0.00003.
gnomAD v4.1: 4 of 1,583,262 alleles (0.00025%); highest among the groups gnomAD compares: African/African-American, 0.0041%; no homozygotes.

Submissions (2):

GeneDx
Classification: Uncertain significance. Last evaluated: 2023-08-16. Review status: criteria provided, single submitter. Criteria: GeneDx Variant Classification Process June 2021. Collection method: clinical testing. Allele origin: germline. Affected: yes.
Comment: Not observed at significant frequency in large population cohorts (gnomAD); In silico analysis supports that this missense variant has a deleterious effect on protein structure/function; Has not been previously published as pathogenic or benign to our knowledge; This variant is associated with the following publications: (PMID: 22508754)

Service de Génétique Moléculaire, Hôpital Robert Debré
Classification: Likely pathogenic for Microcephaly, seizures, and developmental delay. Review status: no assertion criteria provided. Collection method: clinical testing. Allele origin: unknown. Affected: yes. Not counted in ClinVar's aggregate classification.